The following is an entry in ClinVar:

ClinVar aggregate classification (germline): Likely pathogenic (1 of 4 stars; one submission).

Submission:

Labcorp Genetics (formerly Invitae), Labcorp
Classification: Likely pathogenic. Last evaluated: 2021-10-31. Review status: criteria provided, single submitter. Criteria: Invitae Variant Classification Sherloc (09022015). Collection method: clinical testing. Allele origin: germline.
Comment: This variant has not been reported in the literature in individuals affected with EYS-related conditions. This variant results in a copy number gain of the genomic region encompassing exon(s) 23 of the EYS gene. While the exact position of this variant cannot be determined from the data, sub-genic copy number gains are generally in tandem (PMID: 25640679). This variant is predicted to be out-of-frame, and may result in an absent or disrupted protein product. Loss-of-function variants in EYS are known to be pathogenic (PMID: 18836446, 20333770). In summary, the currently available evidence indicates that the variant is pathogenic, but additional data are needed to prove that conclusively. Therefore, this variant has been classified as Likely Pathogenic.

Literature cited by the submitters: PubMed 25640679; PubMed 18836446; PubMed 20333770.

NC_000006.11:g.(?_65336004)_(65336148_?)dup

Gene: EYS (eyes shut homolog; minus strand). Cytogenetic location: 6q12.
Variant type: Duplication.
Identifiers: ClinVar variation 2423850 (VCV002423850.4).